The following is an entry in ClinVar:

NM_000059.4(BRCA2):c.6875A>G (p.Glu2292Gly)

Gene: BRCA2 (BRCA2 DNA repair associated; plus strand). Cytogenetic location: 13q13.1.
Variant type: single nucleotide variant.
Coding change: c.6875A>G on transcript NM_000059.4 (MANE Select); coding-DNA position 6875, A replaced by G.
Protein change: p.Glu2292Gly; replaces glutamic acid 2292 with glycine.
Molecular consequence: missense variant.
Genome position (GRCh38, 1-based): chr13:32,344,591, A>G. VCF-style: chr13-32344591-A-G. GRCh37 (hg19) VCF-style: chr13-32918728-A-G.
Other names: 7103A>G; short protein forms E2292G.
Identifiers: ClinVar variation 38071 (VCV000038071.40), dbSNP rs397507378, ClinGen allele CA024529.
Genomic context (GRCh38, chr13:32,344,591, plus strand): 5'-AAACATATATGAAATATTTCTTTTTAGGAGAACCCTCAATCAAAAGAAACTTATTAAATG[A>G]ATTTGACAGGATAATAGAAAATCAAGAAAAATCCTTAAAGGCTTCAAAAAGCACTCCAGA-3'
Protein context (NP_000050.3, residues 2282-2302): EPSIKRNLLN[Glu2292Gly]FDRIIENQEK

ClinVar aggregate classification (germline): Uncertain significance. Review status: criteria provided, multiple submitters, no conflicts (2 of 4 stars). 14 submissions from 14 submitters: Uncertain significance (10). 4 of the submissions do not count toward it. Last evaluated 2025-10-21.

Conditions:
BRCA2-related cancer predisposition. Identifiers: MedGen CN377758, MONDO:0700269.
Hereditary cancer-predisposing syndrome. Also called: Tumor predisposition; Neoplastic Syndromes, Hereditary; Hereditary neoplastic syndrome; Hereditary Cancer Syndrome. Identifiers: Orphanet 140162, MedGen C0027672, MeSH D009386, MONDO:0015356.
Hereditary breast ovarian cancer syndrome. Also called: Hereditary breast and ovarian cancer; Hereditary breast and ovarian cancer syndrome (HBOC); Hereditary breast and/or ovarian cancer syndrome; Breast and ovarian cancer; Hereditary breast and ovarian cancer syndrome; BRCA1- and BRCA2-Associated Hereditary Breast and Ovarian Cancer. Identifiers: Orphanet 145, MedGen C0677776, MeSH D061325, MONDO:0003582. Disease mechanism: loss of function.
Breast-ovarian cancer, familial, susceptibility to, 2 (BROVCA2). Also called: BRCA2 Hereditary Breast and Ovarian Cancer. Identifiers: Orphanet 145, MedGen C2675520, MONDO:0012933, OMIM 612555. Disease mechanism: loss of function.
Familial cancer of breast. Also called: Hereditary breast cancer; BREAST CANCER, FAMILIAL; hereditary breast carcinoma. Identifiers: Orphanet 227535, MedGen C0346153, MONDO:0016419, OMIM 114480. Disease mechanism: loss of function.
Malignant tumor of breast. Also called: Malignant breast neoplasm; Cancer breast. Identifiers: MedGen C0006142, MONDO:0007254. Disease mechanism: loss of function.

Allele frequency attached by ClinVar (database versions not stated): gnomAD 0.00001.
gnomAD v4.1: 16 of 1,577,292 alleles (0.001%); highest among the groups gnomAD compares: Non-Finnish European, 0.00078%; no homozygotes.

Submissions 1 to 9 of 14:

Ambry Genetics
Classification: Uncertain significance for Hereditary cancer-predisposing syndrome. Last evaluated: 2025-10-21. Review status: criteria provided, single submitter. Criteria: Ambry Variant Classification Scheme 2023. Collection method: clinical testing. Allele origin: germline.
Comment: The p.E2292G variant (also known as c.6875A>G), located in coding exon 11 of the BRCA2 gene, results from an A to G substitution at nucleotide position 6875. The glutamic acid at codon 2292 is replaced by glycine, an amino acid with similar properties. This amino acid position is highly conserved in available vertebrate species. In addition, the in silico prediction for this alteration is inconclusive. Based on the available evidence, the clinical significance of this variant remains unclear.

Labcorp Genetics (formerly Invitae), Labcorp
Classification: Uncertain significance for Hereditary breast ovarian cancer syndrome. Last evaluated: 2025-07-30. Review status: criteria provided, single submitter. Criteria: Invitae Variant Classification Sherloc (09022015). Collection method: clinical testing. Allele origin: germline.
Comment: This sequence change replaces glutamic acid, which is acidic and polar, with glycine, which is neutral and non-polar, at codon 2292 of the BRCA2 protein (p.Glu2292Gly). This variant is present in population databases (rs397507378, gnomAD 0.004%). This missense change has been observed in individual(s) with breast cancer and/or ovarian cancer (PMID: 27616075, 32438681). ClinVar contains an entry for this variant (Variation ID: 38071). Invitae Evidence Modeling of protein sequence and biophysical properties (such as structural, functional, and spatial information, amino acid conservation, physicochemical variation, residue mobility, and thermodynamic stability) has been performed for this missense variant. However, the output from this modeling did not meet the statistical confidence thresholds required to predict the impact of this variant on BRCA2 protein function. In summary, the available evidence is currently insufficient to determine the role of this variant in disease. Therefore, it has been classified as a Variant of Uncertain Significance.

GeneDx
Classification: Uncertain significance. Last evaluated: 2024-12-16. Review status: criteria provided, single submitter. Criteria: GeneDx Variant Classification Process June 2021. Collection method: clinical testing. Allele origin: germline. Affected: yes.
Comment: In silico analysis indicates that this missense variant does not alter protein structure/function; Not observed at significant frequency in large population cohorts (gnomAD); Also known as 7103A>G; This variant is associated with the following publications: (PMID: 24728327, 32438681, 27616075)

All of Us Research Program, National Institutes of Health
Classification: Uncertain significance for BRCA2-related cancer predisposition. Last evaluated: 2024-07-20. Review status: criteria provided, single submitter. Criteria: ACMG Guidelines, 2015. Collection method: clinical testing. Allele origin: germline. Inheritance: Autosomal dominant inheritance. Observed: 2 variant alleles, 2 heterozygotes.
Comment: This missense variant replaces glutamic acid with glycine at codon 2292 of the BRCA2 protein. Computational prediction suggests that this variant may have deleterious impact on protein structure and function (internally defined REVEL score threshold >= 0.7, PMID: 27666373). Splice site prediction tools suggest that this variant may not impact RNA splicing. To our knowledge, functional studies have not been performed for this variant. This variant has been reported in an individual affected with triple-negative breast cancer in the literature (PMID: 27616075) but also in an unaffected individual (PMID: 24728327). This variant has been identified in 4/280182 chromosomes in the general population by the Genome Aggregation Database (gnomAD). The available evidence is insufficient to determine the role of this variant in disease conclusively. Therefore, this variant is classified as a Variant of Uncertain Significance.

This study involves interpretation of variants in research participants for the purpose of population health screening. Participant phenotype was not available at the time of variant classification. Additional details can be found in publication PMID: 35346344, PMCID: PMC8962531

Color Diagnostics, LLC DBA Color Health
Classification: Uncertain significance for Hereditary cancer-predisposing syndrome. Last evaluated: 2024-07-10. Review status: criteria provided, single submitter. Criteria: ACMG Guidelines, 2015. Collection method: clinical testing. Allele origin: germline.
Comment: This missense variant replaces glutamic acid with glycine at codon 2292 of the BRCA2 protein. Computational prediction suggests that this variant may have deleterious impact on protein structure and function. To our knowledge, functional studies have not been performed for this variant. This variant has been reported in two individuals affected with breast or ovarian cancer (PMID: 27616075, 32438681) but also in two unaffected individuals (PMID: 24728327, 33471991; Leiden Open Variation Database DB-ID BRCA2_001815). This variant has been identified in 4/280182 chromosomes in the general population by the Genome Aggregation Database (gnomAD). The available evidence is insufficient to determine the role of this variant in disease conclusively. Therefore, this variant is classified as a Variant of Uncertain Significance.

Baylor Genetics
Classification: Uncertain significance for Familial cancer of breast. Last evaluated: 2023-12-11. Review status: criteria provided, single submitter. Criteria: ACMG Guidelines, 2015. Collection method: clinical testing. Allele origin: unknown.

Sema4
Classification: Uncertain significance for Hereditary cancer-predisposing syndrome. Last evaluated: 2021-05-27. Review status: criteria provided, single submitter. Criteria: Sema4 Curation Guidelines. Collection method: curation. Allele origin: germline.
Comment: The BRCA2 c.6875A>G (p.E2292G) variant has been reported in at least one individual with breast cancer but was also observed in a cohort of healthy subjects (PMID: 27616075, 24728327). It was observed in 4/280182 chromosomes in the large and broad cohorts of the Genome Aggregation Database (PMID: 32461654). The variant has been reported in ClinVar (Variation ID 38071). In silico tools suggest the impact of the variant on protein function is deleterious though these predictions have not been confirmed by functional studies. The evidence is insufficient to meet ACMG/AMP criteria for classifying the variant as benign or pathogenic. Thus, the clinical significance of this variant is currently uncertain.

Quest Diagnostics Nichols Institute San Juan Capistrano
Classification: Uncertain significance. Last evaluated: 2020-08-18. Review status: criteria provided, single submitter. Criteria: Quest Diagnostics criteria. Collection method: clinical testing. Allele origin: unknown.

Women's Health and Genetics/Laboratory Corporation of America, LabCorp
Classification: Uncertain significance. Last evaluated: 2018-11-01. Review status: criteria provided, single submitter. Criteria: LabCorp Variant Classification Summary - May 2015. Collection method: clinical testing. Allele origin: germline.
Comment: Variant summary: BRCA2 c.6875A>G (p.Glu2292Gly) results in a non-conservative amino acid change in the encoded protein sequence. Five of five in-silico tools predict a damaging effect of the variant on protein function. The variant allele was found at a frequency of 1.5e-05 in 275354 control chromosomes. The available data on variant occurrences in the general population are insufficient to allow any conclusion about variant significance. c.6875A>G has been reported in the literature in an individual affected with triple negative breast cancer (Kraus_2016). This report does not provide unequivocal conclusions about association of the variant with Hereditary Breast and Ovarian Cancer. To our knowledge, no experimental evidence demonstrating an impact on protein function has been reported. Four clinical diagnostic laboratories have submitted clinical-significance assessments for this variant to ClinVar after 2014 without evidence for independent evaluation. All laboratories classified the variant as uncertain significance. Based on the evidence outlined above, the variant was classified as uncertain significance.